The following is an entry in ClinVar:

NM_000321.3(RB1):c.308T>C (p.Ile103Thr)

Gene: RB1 (RB transcriptional corepressor 1; plus strand). Cytogenetic location: 13q14.2.
Variant type: single nucleotide variant.
Coding change: c.308T>C on transcript NM_000321.3 (MANE Select); coding-DNA position 308, T replaced by C.
Protein change: p.Ile103Thr; replaces isoleucine 103 with threonine.
Molecular consequence: missense variant.
Genome position (GRCh38, 1-based): chr13:48,342,642, T>C. VCF-style: chr13-48342642-T-C. GRCh37 (hg19) VCF-style: chr13-48916778-T-C.
Other names: short protein forms I103T.
Identifiers: ClinVar variation 822848 (VCV000822848.5), dbSNP rs1593434231, ClinGen allele CA388252409.

ClinVar aggregate classification (germline): Uncertain significance (1 of 4 stars; one submission).

Conditions:
Hereditary cancer-predisposing syndrome. Also called: Tumor predisposition; Hereditary Cancer Syndrome; Neoplastic Syndromes, Hereditary; Hereditary neoplastic syndrome. Identifiers: Orphanet 140162, MedGen C0027672, MeSH D009386, MONDO:0015356.

Submission:

Ambry Genetics
Classification: Uncertain significance for Hereditary cancer-predisposing syndrome. Last evaluated: 2024-09-23. Review status: criteria provided, single submitter. Criteria: Ambry Variant Classification Scheme 2023. Collection method: clinical testing. Allele origin: germline.
Comment: The p.I103T variant (also known as c.308T>C), located in coding exon 3 of the RB1 gene, results from a T to C substitution at nucleotide position 308. The isoleucine at codon 103 is replaced by threonine, an amino acid with similar properties. This amino acid position is highly conserved in available vertebrate species. In addition, the in silico prediction for this alteration is inconclusive. Based on the available evidence, the clinical significance of this variant remains unclear.